The following is an entry in ClinVar:

ClinVar aggregate classification (germline): Uncertain significance (1 of 4 stars; one submission).

Conditions:
Cardiofaciocutaneous syndrome 4 (CFC4). Also called: MAP2K2-Related Cardiofaciocutaneous Syndrome. Identifiers: Orphanet 1340, MedGen C3809007, MONDO:0014114, OMIM 615280.

Submission:

Juno Genomics, Hangzhou Juno Genomics, Inc
Classification: Uncertain significance for Cardiofaciocutaneous syndrome 4. Review status: criteria provided, single submitter. Criteria: ACMG Guidelines, 2015. Collection method: clinical testing. Allele origin: germline.
Comment: Absent from controls (or at extremely low frequency if recessive) in Genome Aggregation Database.;Multiple lines of computational evidence support a deleterious effect on the gene or gene product.

NM_030662.4(MAP2K2):c.476T>A (p.Leu159Gln)

Gene: MAP2K2 (mitogen-activated protein kinase kinase 2; minus strand). Cytogenetic location: 19p13.3.
Variant type: single nucleotide variant.
Coding change: c.476T>A on transcript NM_030662.4 (MANE Select); coding-DNA position 476, T replaced by A.
Protein change: p.Leu159Gln; replaces leucine 159 with glutamine.
Molecular consequence: missense variant. On other transcripts: 5 prime UTR variant (1).
Genome position (GRCh38, 1-based): chr19:4,102,428, A>T on the plus strand (T>A on the coding strand, the complement: MAP2K2 is on the minus strand). VCF-style: chr19-4102428-A-T. GRCh37 (hg19) VCF-style: chr19-4102426-A-T.
Other names: c.476T>A, p.Leu159Gln (NM_001440688.1); c.-95T>A (NM_001440689.1); short protein forms L159Q.
Identifiers: ClinVar variation 5005996 (VCV005005996.2).
Genomic context (GRCh38, chr19:4,102,428, plus strand): 5'-GGACTCACCGCGATGCTGACTTTCCCCAGGATCTCCTCGGGAATCCTCTTGGCCTCTTTC[A>T]GCACCTGGTCCAGGGAGCCGCCGTCCTAGAGGGCACACAAGGAGTGAGTGCAGGCTCTGC-3'
Protein context (NP_109587.1, residues 149-169): HMDGGSLDQV[Leu159Gln]KEAKRIPEEI